The following is an entry in ClinVar:

ClinVar aggregate classification (germline): Uncertain significance (1 of 4 stars; one submission).

Submission:

GeneDx
Classification: Uncertain significance. Last evaluated: 2024-09-05. Review status: criteria provided, single submitter. Criteria: GeneDx Variant Classification Process June 2021. Collection method: clinical testing. Allele origin: germline. Affected: yes.
Comment: Not observed at significant frequency in large population cohorts (gnomAD); In silico analysis indicates that this missense variant does not alter protein structure/function; Has not been previously published as pathogenic or benign to our knowledge

NM_015176.4(FBXO28):c.865G>C (p.Val289Leu)

Gene: FBXO28 (F-box protein 28; plus strand). Cytogenetic location: 1q42.11.
Variant type: single nucleotide variant.
Coding change: c.865G>C on transcript NM_015176.4 (MANE Select); coding-DNA position 865, G replaced by C.
Protein change: p.Val289Leu; replaces valine 289 with leucine.
Molecular consequence: missense variant. On other transcripts: 3 prime UTR variant (1), non-coding transcript variant (1).
Genome position (GRCh38, 1-based): chr1:224,157,504, G>C. VCF-style: chr1-224157504-G-C. GRCh37 (hg19) VCF-style: chr1-224345206-G-C.
Other names: c.*129G>C (NM_001136115.3); short protein forms V289L.
Identifiers: ClinVar variation 3767634 (VCV003767634.1).